The following is an entry in ClinVar:

NM_144666.3(DNHD1):c.4457A>G (p.Lys1486Arg)

Gene: DNHD1 (dynein heavy chain domain 1; plus strand). Cytogenetic location: 11p15.4.
Variant type: single nucleotide variant.
Coding change: c.4457A>G on transcript NM_144666.3 (MANE Select); coding-DNA position 4457, A replaced by G.
Protein change: p.Lys1486Arg; replaces lysine 1486 with arginine.
Molecular consequence: missense variant.
Genome position (GRCh38, 1-based): chr11:6,545,396, A>G. VCF-style: chr11-6545396-A-G. GRCh37 (hg19) VCF-style: chr11-6566626-A-G.
Other names: short protein forms K1486R.
Identifiers: ClinVar variation 1421559 (VCV001421559.6), dbSNP rs745907995, ClinGen allele CA5856002.

ClinVar aggregate classification (germline): Uncertain significance (1 of 4 stars; one submission).

Allele frequency attached by ClinVar (database versions not stated): gnomAD 0.00003; gnomAD exomes 0.00009 and 0.00027; ExAC 0.00062.

Submission:

Labcorp Genetics (formerly Invitae), Labcorp
Classification: Uncertain significance. Last evaluated: 2022-07-28. Review status: criteria provided, single submitter. Criteria: Invitae Variant Classification Sherloc (09022015). Collection method: clinical testing. Allele origin: germline.
Comment: In summary, the available evidence is currently insufficient to determine the role of this variant in disease. Therefore, it has been classified as a Variant of Uncertain Significance. Algorithms developed to predict the effect of missense changes on protein structure and function (SIFT, PolyPhen-2, Align-GVGD) all suggest that this variant is likely to be tolerated. ClinVar contains an entry for this variant (Variation ID: 1421559). This variant has not been reported in the literature in individuals affected with DNHD1-related conditions. This variant is present in population databases (rs745907995, gnomAD 0.2%). This sequence change replaces lysine, which is basic and polar, with arginine, which is basic and polar, at codon 1486 of the DNHD1 protein (p.Lys1486Arg).